The following is an entry in ClinVar:

ClinVar aggregate classification (germline): Uncertain significance (1 of 4 stars; one submission).

Conditions:
Familial hemophagocytic lymphohistiocytosis 4 (FHL4). Also called: STX11-Related Familial Hemophagocytic Lymphohistiocytosis (STX11-fHLH). Identifiers: Orphanet 540, MedGen C1863728, MONDO:0011336, OMIM 603552.

Allele frequency attached by ClinVar (database versions not stated): ExAC 0.00001; gnomAD exomes 0.00001 and 0.00002; TOPMed 0.00002.
gnomAD v4.1: 7 of 1,613,740 alleles (0.00043%); highest among the groups gnomAD compares: East Asian, 0.016%; no homozygotes.

Submission:

Labcorp Genetics (formerly Invitae), Labcorp
Classification: Uncertain significance for Familial hemophagocytic lymphohistiocytosis 4. Last evaluated: 2024-02-24. Review status: criteria provided, single submitter. Criteria: Invitae Variant Classification Sherloc (09022015). Collection method: clinical testing. Allele origin: germline.
Comment: This sequence change replaces aspartic acid, which is acidic and polar, with asparagine, which is neutral and polar, at codon 155 of the STX11 protein (p.Asp155Asn). This variant is present in population databases (rs763642990, gnomAD 0.02%). This variant has not been reported in the literature in individuals affected with STX11-related conditions. ClinVar contains an entry for this variant (Variation ID: 1003843). Advanced modeling of protein sequence and biophysical properties (such as structural, functional, and spatial information, amino acid conservation, physicochemical variation, residue mobility, and thermodynamic stability) performed at Invitae indicates that this missense variant is not expected to disrupt STX11 protein function with a negative predictive value of 80%. In summary, the available evidence is currently insufficient to determine the role of this variant in disease. Therefore, it has been classified as a Variant of Uncertain Significance.

NM_003764.4(STX11):c.463G>A (p.Asp155Asn)

Gene: STX11 (syntaxin 11; plus strand). Cytogenetic location: 6q24.2.
Variant type: single nucleotide variant.
Coding change: c.463G>A on transcript NM_003764.4 (MANE Select); coding-DNA position 463, G replaced by A.
Protein change: p.Asp155Asn; replaces aspartic acid 155 with asparagine.
Molecular consequence: missense variant.
Genome position (GRCh38, 1-based): chr6:144,187,090, G>A. VCF-style: chr6-144187090-G-A. GRCh37 (hg19) VCF-style: chr6-144508227-G-A.
Other names: short protein forms D155N.
Identifiers: ClinVar variation 1003843 (VCV001003843.6), dbSNP rs763642990, ClinGen allele CA4031718.